The following is an entry in ClinVar:

NM_005188.4(CBL):c.1222T>A (p.Trp408Arg)

Gene: CBL (Cbl proto-oncogene; plus strand). Cytogenetic location: 11q23.3.
Variant type: single nucleotide variant.
Coding change: c.1222T>A on transcript NM_005188.4 (MANE Select); coding-DNA position 1222, T replaced by A.
Protein change: p.Trp408Arg; replaces tryptophan 408 with arginine.
Molecular consequence: missense variant.
Genome position (GRCh38, 1-based): chr11:119,278,292, T>A. VCF-style: chr11-119278292-T-A. GRCh37 (hg19) VCF-style: chr11-119149002-T-A.
Other names: short protein forms W408R.
Identifiers: ClinVar variation 3765849 (VCV003765849.2).

ClinVar aggregate classification (germline): Uncertain significance. Review status: criteria provided, multiple submitters, no conflicts (2 of 4 stars). 2 submissions from 2 submitters: Uncertain significance (2). Last evaluated 2025-07-29.

Conditions:
RASopathy. Also called: Noonan spectrum disorder; rasopathies. Identifiers: Orphanet 536391, MedGen C5555857, MONDO:0021060.

Submissions (2):

Labcorp Genetics (formerly Invitae), Labcorp
Classification: Uncertain significance for RASopathy. Last evaluated: 2025-07-29. Review status: criteria provided, single submitter. Criteria: Invitae Variant Classification Sherloc (09022015). Collection method: clinical testing. Allele origin: germline.
Comment: This sequence change replaces tryptophan, which is neutral and slightly polar, with arginine, which is basic and polar, at codon 408 of the CBL protein (p.Trp408Arg). This variant is not present in population databases (gnomAD no frequency). This missense change has been observed in individual(s) with juvenile myelomonocytic leukemia (PMID: 19571318, 20694012, 23832011). ClinVar contains an entry for this variant (Variation ID: 3765849). Invitae Evidence Modeling of protein sequence and biophysical properties (such as structural, functional, and spatial information, amino acid conservation, physicochemical variation, residue mobility, and thermodynamic stability) indicates that this missense variant is expected to disrupt CBL protein function with a positive predictive value of 95%. In summary, the available evidence is currently insufficient to determine the role of this variant in disease. Therefore, it has been classified as a Variant of Uncertain Significance.

Greenwood Genetic Center Diagnostic Laboratories, Greenwood Genetic Center
Classification: Uncertain significance. Last evaluated: 2024-12-31. Review status: criteria provided, single submitter. Criteria: ACMG Guidelines, 2015. Collection method: clinical testing. Allele origin: germline. Affected: yes.
Comment: PM2, PP3

Literature cited by the submitters: PubMed 19571318 (cited by Labcorp Genetics (formerly Invitae), Labcorp); PubMed 20694012 (cited by Labcorp Genetics (formerly Invitae), Labcorp); PubMed 23832011 (cited by Labcorp Genetics (formerly Invitae), Labcorp).